The following is an entry in ClinVar:

ClinVar aggregate classification (germline): Uncertain significance (1 of 4 stars; one submission).

Allele frequency attached by ClinVar (database versions not stated): ExAC 0.00002; gnomAD exomes 0.00002 and 0.00004; TOPMed 0.00003.
gnomAD v4.1: 53 of 1,557,994 alleles (0.0034%); highest among the groups gnomAD compares: Non-Finnish European, 0.0041%; no homozygotes.

Submission:

Labcorp Genetics (formerly Invitae), Labcorp
Classification: Uncertain significance. Last evaluated: 2024-04-30. Review status: criteria provided, single submitter. Criteria: Invitae Variant Classification Sherloc (09022015). Collection method: clinical testing. Allele origin: germline.
Comment: This sequence change replaces arginine, which is basic and polar, with glutamine, which is neutral and polar, at codon 1146 of the ERBB2 protein (p.Arg1146Gln). This variant is present in population databases (rs767717383, gnomAD 0.004%). This variant has not been reported in the literature in individuals affected with ERBB2-related conditions. ClinVar contains an entry for this variant (Variation ID: 842158). Algorithms developed to predict the effect of missense changes on protein structure and function output the following: SIFT: "Not Available"; PolyPhen-2: "Benign"; Align-GVGD: "Not Available". The glutamine amino acid residue is found in multiple mammalian species, which suggests that this missense change does not adversely affect protein function. In summary, the available evidence is currently insufficient to determine the role of this variant in disease. Therefore, it has been classified as a Variant of Uncertain Significance.

NM_004448.4(ERBB2):c.3437G>A (p.Arg1146Gln)

Gene: ERBB2 (erb-b2 receptor tyrosine kinase 2; plus strand). Cytogenetic location: 17q12.
Variant type: single nucleotide variant.
Coding change: c.3437G>A on transcript NM_004448.4 (MANE Select); coding-DNA position 3437, G replaced by A.
Protein change: p.Arg1146Gln; replaces arginine 1146 with glutamine.
Molecular consequence: missense variant. On other transcripts: 3 prime UTR variant (2), non-coding transcript variant (1).
Genome position (GRCh38, 1-based): chr17:39,727,713, G>A. VCF-style: chr17-39727713-G-A. GRCh37 (hg19) VCF-style: chr17-37883966-G-A.
Other names: c.3347G>A, p.Arg1116Gln (NM_001005862.3, NM_001382782.1, NM_001382783.1); c.3392G>A, p.Arg1131Gln (NM_001289936.2); c.*16G>A (NM_001289937.2, NM_001382803.1); c.3554G>A, p.Arg1185Gln (NM_001382784.1); c.3539G>A, p.Arg1180Gln (NM_001382785.1); c.3518G>A, p.Arg1173Gln (NM_001382786.1); c.3512G>A, p.Arg1171Gln (NM_001382787.1); c.3467G>A, p.Arg1156Gln (NM_001382788.1); and 16 more; short protein forms R1116Q, R1131Q, R1146Q, R1060Q, R1078Q, R1084Q, R1086Q, R1094Q.
Identifiers: ClinVar variation 842158 (VCV000842158.9), dbSNP rs767717383, ClinGen allele CA8534561.